The following is an entry in ClinVar:

NM_152564.5(VPS13B):c.11046T>A (p.Gly3682=)

Gene: VPS13B (vacuolar protein sorting 13 homolog B; plus strand). Cytogenetic location: 8q22.2.
Variant type: single nucleotide variant.
Coding change: c.11046T>A on transcript NM_152564.5 (MANE Select); coding-DNA position 11046, T replaced by A.
Protein change: p.Gly3682=; no amino-acid change (glycine 3682 retained).
Molecular consequence: synonymous variant.
Genome position (GRCh38, 1-based): chr8:99,861,777, T>A. VCF-style: chr8-99861777-T-A. GRCh37 (hg19) VCF-style: chr8-100874005-T-A.
Other names: c.11046T>A (NM_152564.4); c.11121T>A, p.Gly3707= (NM_017890.5).
Identifiers: ClinVar variation 588269 (VCV000588269.16), dbSNP rs1178600682, ClinGen allele CA462338018.
Genomic context (GRCh38, chr8:99,861,777, plus strand): 5'-GCCTTGGGGTCCATCATGTATGCGACAAGGAGGCTAACCCCATGCTCTTGTTCCCTCAGG[T>A]ACCCTCACATCCATCACCAACCTCGCCACAAGCCTGGCCCGGAACATGGACCGGCTCTCA-3'
Protein context (NP_689777.3, residues 3672-3692): TTSFVKHISK[Gly3682=]TLTSITNLAT

ClinVar aggregate classification (germline): Conflicting classifications of pathogenicity. Review status: criteria provided, conflicting classifications (1 of 4 stars). 4 submissions from 4 submitters: Uncertain significance (1); Likely benign (3). Last evaluated 2025-09-25.

Conditions:
Cohen syndrome (COH1). Also called: PEPPER SYNDROME; Cutis verticis gyrata, retinitis pigmentosa, and sensorineural deafness. Identifiers: Orphanet 193, MedGen C0265223, MONDO:0008999, OMIM 216550.
VPS13B-related disorder. Also called: VPS13B-related condition.
Inborn genetic diseases. Identifiers: MedGen C0950123, MeSH D030342.

Allele frequency attached by ClinVar (database versions not stated): TOPMed below 0.00001; gnomAD 0.00001; gnomAD exomes 0.00001.
gnomAD v4.1: 17 of 1,592,734 alleles (0.0011%); highest among the groups gnomAD compares: Non-Finnish European, 0.0015%; no homozygotes.

Submissions (4):

Labcorp Genetics (formerly Invitae), Labcorp
Classification: Likely benign for Cohen syndrome. Last evaluated: 2025-09-25. Review status: criteria provided, single submitter. Criteria: Invitae Variant Classification Sherloc (09022015). Collection method: clinical testing. Allele origin: germline.

PreventionGenetics, part of Exact Sciences
Classification: Likely benign for VPS13B-related condition. Last evaluated: 2025-02-25. Review status: criteria provided, single submitter. Criteria: ACMG Guidelines, 2015. Collection method: clinical testing. Allele origin: germline.
Comment: This variant is classified as likely benign based on ACMG/AMP sequence variant interpretation guidelines (Richards et al. 2015 PMID: 25741868, with internal and published modifications).

GeneDx
Classification: Uncertain significance. Last evaluated: 2024-11-25. Review status: criteria provided, single submitter. Criteria: GeneDx Variant Classification Process June 2021. Collection method: clinical testing. Allele origin: germline. Affected: yes.
Comment: Not observed at significant frequency in large population cohorts (gnomAD); In silico analysis indicates that this variant does not alter splicing; Has not been previously published as pathogenic or benign to our knowledge

Ambry Genetics
Classification: Likely benign for Inborn genetic diseases. Last evaluated: 2016-09-15. Review status: criteria provided, single submitter. Criteria: Ambry Variant Classification Scheme 2023. Collection method: clinical testing. Allele origin: germline.